The following is an entry in ClinVar:

NM_017739.4(POMGNT1):c.1031C>T (p.Pro344Leu)

Genes: POMGNT1 (protein O-linked mannose N-acetylglucosaminyltransferase 1 (beta 1,2-); minus strand), TSPAN1 (tetraspanin 1; plus strand). Cytogenetic location: 1p34.1.
Variant type: single nucleotide variant.
Coding change: c.1031C>T on transcript NM_017739.4 (MANE Select); coding-DNA position 1031, C replaced by T.
Protein change: p.Pro344Leu; replaces proline 344 with leucine.
Molecular consequence: missense variant.
Genome position (GRCh38, 1-based): chr1:46,193,384, G>A on the plus strand (C>T on the coding strand, the complement: POMGNT1 is on the minus strand). VCF-style: chr1-46193384-G-A. GRCh37 (hg19) VCF-style: chr1-46659056-G-A.
Other names: c.965C>T, p.Pro322Leu (NM_001290129.3); c.602C>T, p.Pro201Leu (NM_001290130.2); c.1031C>T, p.Pro344Leu (NM_001410783.1, NM_001243766.2); short protein forms P322L, P201L, P344L.
Identifiers: ClinVar variation 2100413 (VCV002100413.2), dbSNP rs1328704425, ClinGen allele CA340180260.

ClinVar aggregate classification (germline): Uncertain significance (1 of 4 stars; one submission).

Conditions:
Autosomal recessive limb-girdle muscular dystrophy type 2O. Also called: Limb-Girdle Muscular Dystrophy Type 3C; MUSCULAR DYSTROPHY-DYSTROGLYCANOPATHY (LIMB-GIRDLE), TYPE C, 3; MUSCULAR DYSTROPHY-DYSTROGLYCANOPATHY, LIMB-GIRDLE, POMGNT1-RELATED. Identifiers: Orphanet 206564, MedGen C3150417, MONDO:0013161, OMIM 613157.
Muscular dystrophy-dystroglycanopathy (congenital with impaired intellectual development), type B, 3. Also called: Muscular dystrophy-dystroglycanopathy (congenital with intellectual disability), type B3; MUSCULAR DYSTROPHY, CONGENITAL, POMGNT1-RELATED. Identifiers: MedGen C3150412, MONDO:0013155, OMIM 613151.

Submission:

Labcorp Genetics (formerly Invitae), Labcorp
Classification: Uncertain significance for Autosomal recessive limb-girdle muscular dystrophy type 2O; Muscular dystrophy-dystroglycanopathy (congenital with impaired intellectual development), type B, 3. Last evaluated: 2022-02-20. Review status: criteria provided, single submitter. Criteria: Invitae Variant Classification Sherloc (09022015). Collection method: clinical testing. Allele origin: germline.
Comment: In summary, the available evidence is currently insufficient to determine the role of this variant in disease. Therefore, it has been classified as a Variant of Uncertain Significance. Algorithms developed to predict the effect of missense changes on protein structure and function are either unavailable or do not agree on the potential impact of this missense change (SIFT: "Tolerated"; PolyPhen-2: "Probably Damaging"; Align-GVGD: "Class C15"). This variant has not been reported in the literature in individuals affected with POMGNT1-related conditions. This variant is not present in population databases (gnomAD no frequency). This sequence change replaces proline, which is neutral and non-polar, with leucine, which is neutral and non-polar, at codon 344 of the POMGNT1 protein (p.Pro344Leu).